The following is an entry in ClinVar:

NM_001270974.2(HYDIN):c.373A>T (p.Asn125Tyr)

Gene: HYDIN (HYDIN axonemal central pair apparatus protein; minus strand). Cytogenetic location: 16q22.2.
Variant type: single nucleotide variant.
Coding change: c.373A>T on transcript NM_001270974.2 (MANE Select); coding-DNA position 373, A replaced by T.
Protein change: p.Asn125Tyr; replaces asparagine 125 with tyrosine.
Molecular consequence: missense variant.
Genome position (GRCh38, 1-based): chr16:71,178,936, T>A on the plus strand (A>T on the coding strand, the complement: HYDIN is on the minus strand). VCF-style: chr16-71178936-T-A. GRCh37 (hg19) VCF-style: chr16-71212839-T-A.
Other names: p.Asn125Tyr; c.373A>T (NM_001270974.1); c.454A>T, p.Asn152Tyr (NM_001198542.1); c.424A>T, p.Asn142Tyr (NM_001198543.1); c.373A>T, p.Asn125Tyr (NM_017558.5); short protein forms N125Y, N142Y, N152Y.
Identifiers: ClinVar variation 2446881 (VCV002446881.3), dbSNP rs762936823, ClinGen allele CA8151612.

ClinVar aggregate classification (germline): Uncertain significance. Review status: criteria provided, multiple submitters, no conflicts (2 of 4 stars). 2 submissions from 2 submitters: Uncertain significance (2). Last evaluated 2024-07-02.

Conditions:
Inborn genetic diseases. Identifiers: MedGen C0950123, MeSH D030342.
Primary ciliary dyskinesia 5. Also called: CILIARY DYSKINESIA, PRIMARY, 5, WITHOUT SITUS INVERSUS. Identifiers: Orphanet 244, MedGen C1837615, MONDO:0012088, OMIM 608647.

Allele frequency attached by ClinVar (database versions not stated): gnomAD 0.00002; TOPMed 0.00002; gnomAD exomes 0.00005; ExAC 0.00012.
gnomAD v4.1: 68 of 1,611,786 alleles (0.0042%); highest among the groups gnomAD compares: South Asian, 0.073%; 2 homozygotes.

Submissions (2):

Ambry Genetics
Classification: Uncertain significance for Inborn genetic diseases. Last evaluated: 2024-07-02. Review status: criteria provided, single submitter. Criteria: Ambry Variant Classification Scheme 2023. Collection method: clinical testing. Allele origin: germline.

Foundation for Research in Genetics and Endocrinology, FRIGE's Institute of Human Genetics
Classification: Uncertain significance for Primary ciliary dyskinesia 5. Review status: criteria provided, single submitter. Criteria: ACMG Guidelines, 2015. Collection method: clinical testing. Allele origin: germline. Inheritance: Autosomal recessive inheritance. Affected: yes. Observed: 1 heterozygote.
Comment: A heterozygous missense variant in exon 34 of the HYDIN gene that results in substitution of Methionine for Valine was detected. Simultaneously, another heterozygous missense variant in exon 4 of the HYDIN gene that results in substitution of Tyrosine for Asparagine was detected. Both variants have not been observed in the 1000 genomes and gnomAD databases. In silico prediction suggests both variants to be damaging by SIFT and CADD. The reference codon is conserved across species. Absence of paternal sample led to un-resolved haplotype structure for these variants.